The following is an entry in ClinVar:

ClinVar aggregate classification (germline): Uncertain significance (1 of 4 stars; one submission).

Submission:

Ambry Genetics
Classification: Uncertain significance. Last evaluated: 2021-12-10. Review status: criteria provided, single submitter. Criteria: Ambry Variant Classification Scheme 2023. Collection method: clinical testing. Allele origin: germline.
Comment: The p.P1109T variant (also known as c.3325C>A), located in coding exon 17 of the NPAT gene, results from a C to A substitution at nucleotide position 3325. The proline at codon 1109 is replaced by threonine, an amino acid with highly similar properties. This amino acid position is conserved. In addition, this alteration is predicted to be tolerated by in silico analysis. Since supporting evidence is limited at this time, the clinical significance of this alteration remains unclear.

NM_002519.3(NPAT):c.3325C>A (p.Pro1109Thr)

Gene: NPAT (nuclear protein, coactivator of histone transcription; minus strand). Cytogenetic location: 11q22.3.
Variant type: single nucleotide variant.
Coding change: c.3325C>A on transcript NM_002519.3 (MANE Select); coding-DNA position 3325, C replaced by A.
Protein change: p.Pro1109Thr; replaces proline 1109 with threonine.
Molecular consequence: missense variant.
Genome position (GRCh38, 1-based): chr11:108,161,761, G>T on the plus strand (C>A on the coding strand, the complement: NPAT is on the minus strand). VCF-style: chr11-108161761-G-T. GRCh37 (hg19) VCF-style: chr11-108032488-G-T.
Other names: c.3346C>A, p.Pro1116Thr (NM_001321307.1); short protein forms P1116T, P1109T.
Identifiers: ClinVar variation 1730238 (VCV001730238.2), dbSNP rs2496696481, ClinGen allele CA382511056.